The following is an entry in ClinVar:

NM_007294.4(BRCA1):c.75_80dup (p.Cys27_Leu28insIleCys)

Gene: BRCA1 (BRCA1 DNA repair associated; minus strand). Cytogenetic location: 17q21.31.
Variant type: Duplication.
Coding change: c.75_80dup on transcript NM_007294.4 (MANE Select); coding-DNA positions 75 to 80, 6 bases duplicated (CATCTG; older notation c.75_80dupCATCTG).
Protein change: p.Cys27_Leu28insIleCys.
Molecular consequence: inframe insertion. On other transcripts: inframe indel (195), 5 prime UTR variant (1), non-coding transcript variant (1).
Genome position (GRCh38, 1-based): chr17:43,124,017-43,124,022, CAGATG duplicated on the plus strand (CATCTG on the coding strand, the reverse complement: BRCA1 is on the minus strand). VCF-style (leftmost placement, unchanged base first): chr17-43124016-C-CCAGATG. GRCh37 (hg19) VCF-style: chr17-41276033-C-CCAGATG.
Other names: c.75_80dupCATCTG (NM_007294.3); c.-13_-8dup (NM_001407845.1, NM_001407849.1, NM_001407852.1 and 23 more transcripts); c.-212_-207dup (NM_001407846.1, NM_001407920.1, NM_001407697.1); c.-186_-181dup (NM_001407847.1, NM_001407850.1, NM_001407921.1 and 22 more transcripts); c.-114_-109dup (NM_001407853.1, NM_001407879.1, NM_001407882.1 and 46 more transcripts); c.75_80dup, p.Cys27_Leu28insIleCys (NM_001407854.1, NM_001407858.1, NM_001407859.1 and 192 more transcripts); c.-60_-55dup (NM_001407881.1, NM_001407898.1, NM_001407902.1); c.-230_-225dup (NM_001407889.1, NM_001408492.1); and 10 more.
Identifiers: ClinVar variation 55692 (VCV000055692.16), dbSNP rs397509315, ClinGen allele CA328046.

ClinVar aggregate classification (germline): Uncertain significance. Review status: criteria provided, multiple submitters, no conflicts (2 of 4 stars). 3 submissions from 3 submitters: Uncertain significance (2). 1 of the submissions does not count toward it. Last evaluated 2025-06-23.

Conditions:
Hereditary cancer-predisposing syndrome. Also called: Neoplastic Syndromes, Hereditary; Hereditary neoplastic syndrome; Tumor predisposition; Hereditary Cancer Syndrome. Identifiers: Orphanet 140162, MedGen C0027672, MeSH D009386, MONDO:0015356.
Hereditary breast ovarian cancer syndrome. Also called: Breast and ovarian cancer; Hereditary breast and ovarian cancer syndrome (HBOC); Hereditary breast and ovarian cancer syndrome; Hereditary breast and/or ovarian cancer syndrome; Hereditary breast and ovarian cancer; BRCA1- and BRCA2-Associated Hereditary Breast and Ovarian Cancer. Identifiers: Orphanet 145, MedGen C0677776, MeSH D061325, MONDO:0003582. Disease mechanism: loss of function.
Familial cancer of breast. Also called: BREAST CANCER, FAMILIAL; Hereditary breast cancer; hereditary breast carcinoma. Identifiers: Orphanet 227535, MedGen C0346153, MONDO:0016419, OMIM 114480. Disease mechanism: loss of function.

Submissions (3):

Ambry Genetics
Classification: Uncertain significance for Hereditary cancer-predisposing syndrome. Last evaluated: 2025-06-23. Review status: criteria provided, single submitter. Criteria: Ambry Variant Classification Scheme 2023. Collection method: clinical testing. Allele origin: germline.
Comment: The c.75_80dupCATCTG variant (also known as p.I26_C27dup), located in coding exon 1 of the BRCA1 gene, results from an in-frame duplication of CATCTG at nucleotide positions 75 to 80. This results in the duplication of 2 extra residues (IC) between codons 26 and 27. This amino acid region is highly conserved in available vertebrate species. In addition, this alteration is predicted to be neutral by in silico analysis (Choi Y et al. PLoS ONE. 2012; 7(10):e46688). Based on internal structural analysis, this variant is predicted to be deleterious (Brzovic PS et al. Nat Struct Biol 2001 Oct;8(10):833-7). Since supporting evidence is limited at this time, the clinical significance of this alteration remains unclear.

Labcorp Genetics (formerly Invitae), Labcorp
Classification: Uncertain significance for Hereditary breast ovarian cancer syndrome. Last evaluated: 2023-08-17. Review status: criteria provided, single submitter. Criteria: Invitae Variant Classification Sherloc (09022015). Collection method: clinical testing. Allele origin: germline.
Comment: This variant is not present in population databases (gnomAD no frequency). In summary, the available evidence is currently insufficient to determine the role of this variant in disease. Therefore, it has been classified as a Variant of Uncertain Significance. Algorithms developed to predict the effect of sequence changes on RNA splicing suggest that this variant may disrupt the consensus splice site. Experimental studies and prediction algorithms are not available or were not evaluated, and the functional significance of this variant is currently unknown. ClinVar contains an entry for this variant (Variation ID: 55692). This variant has been observed in individual(s) with ovarian cancer (PMID: 10686936). This variant, c.75_80dup, results in the insertion of 2 amino acid(s) of the BRCA1 protein (Splice site), but otherwise preserves the integrity of the reading frame.

ClinVar Staff, National Center for Biotechnology Information (NCBI)
No classification provided. Condition: Familial cancer of breast. Review status: no classification provided. Collection method: literature only. Allele origin: germline. Affected: yes. Not counted in ClinVar's aggregate classification.

Literature cited by the submitters: PubMed 11573085 (cited by Ambry Genetics); PubMed 10686936 (cited by Labcorp Genetics (formerly Invitae), Labcorp and ClinVar Staff, National Center for Biotechnology Information (NCBI)).